The following is an entry in ClinVar:

NM_000179.3(MSH6):c.1843T>C (p.Cys615Arg)

Gene: MSH6 (mutS homolog 6; plus strand). Cytogenetic location: 2p16.3.
Variant type: single nucleotide variant.
Coding change: c.1843T>C on transcript NM_000179.3 (MANE Select); coding-DNA position 1843, T replaced by C.
Protein change: p.Cys615Arg; replaces cysteine 615 with arginine.
Molecular consequence: missense variant.
Genome position (GRCh38, 1-based): chr2:47,799,826, T>C. VCF-style: chr2-47799826-T-C. GRCh37 (hg19) VCF-style: chr2-48026965-T-C.
Other names: c.1453T>C, p.Cys485Arg (NM_001281492.2); c.937T>C, p.Cys313Arg (NM_001281493.2, NM_001281494.2); short protein forms C313R, C615R, C485R.
Identifiers: ClinVar variation 661498 (VCV000661498.9), dbSNP rs1572724620, ClinGen allele CA346749636.

ClinVar aggregate classification (germline): Uncertain significance (1 of 4 stars; one submission).

Conditions:
Hereditary nonpolyposis colorectal neoplasms. Identifiers: MedGen C0009405, MeSH D003123.

Submission:

Labcorp Genetics (formerly Invitae), Labcorp
Classification: Uncertain significance for Hereditary nonpolyposis colorectal neoplasms. Last evaluated: 2025-07-06. Review status: criteria provided, single submitter. Criteria: Invitae Variant Classification Sherloc (09022015). Collection method: clinical testing. Allele origin: germline.
Comment: This sequence change replaces cysteine, which is neutral and slightly polar, with arginine, which is basic and polar, at codon 615 of the MSH6 protein (p.Cys615Arg). This variant is not present in population databases (gnomAD no frequency). This missense change has been observed in individual(s) with clinical features of MSH6-related conditions (PMID: 36243179). ClinVar contains an entry for this variant (Variation ID: 661498). Invitae Evidence Modeling of protein sequence and biophysical properties (such as structural, functional, and spatial information, amino acid conservation, physicochemical variation, residue mobility, and thermodynamic stability) indicates that this missense variant is not expected to disrupt MSH6 protein function with a negative predictive value of 95%. In summary, the available evidence is currently insufficient to determine the role of this variant in disease. Therefore, it has been classified as a Variant of Uncertain Significance.

Literature cited by the submitters: PubMed 36243179.